The following is an entry in ClinVar:

ClinVar aggregate classification (germline): Likely benign. Review status: criteria provided, single submitter (1 of 4 stars). 2 submissions from 2 submitters: Likely benign (1). 1 of the submissions does not count toward it. Last evaluated 2025-11-24.

Conditions:
HYOU1-related disorder. Also called: HYOU1-related condition.

Allele frequency attached by ClinVar (database versions not stated): gnomAD exomes below 0.00001; TOPMed 0.00001.
gnomAD v4.1: 6 of 1,612,474 alleles (0.00037%); highest among the groups gnomAD compares: East Asian, 0.0022%; no homozygotes.

Submissions (2):

Labcorp Genetics (formerly Invitae), Labcorp
Classification: Likely benign. Last evaluated: 2025-11-24. Review status: criteria provided, single submitter. Criteria: Invitae Variant Classification Sherloc (09022015). Collection method: clinical testing. Allele origin: germline.

PreventionGenetics, part of Exact Sciences
Classification: Likely benign for HYOU1-related condition. Last evaluated: 2019-03-12. Review status: no assertion criteria provided. Collection method: clinical testing. Allele origin: germline. Not counted in ClinVar's aggregate classification.
Comment: This variant is classified as likely benign based on ACMG/AMP sequence variant interpretation guidelines (Richards et al. 2015 PMID: 25741868, with internal and published modifications).

NM_006389.5(HYOU1):c.265-6C>T

Gene: HYOU1 (hypoxia up-regulated 1; minus strand). Cytogenetic location: 11q23.3.
Variant type: single nucleotide variant.
Coding change: c.265-6C>T on transcript NM_006389.5 (MANE Select); 6 bases into the intron before coding-DNA position 265, C replaced by T.
Molecular consequence: intron variant.
Genome position (GRCh38, 1-based): chr11:119,055,345, G>A on the plus strand (C>T on the coding strand, the complement: HYOU1 is on the minus strand). VCF-style: chr11-119055345-G-A. GRCh37 (hg19) VCF-style: chr11-118926057-G-A.
Other names: c.265-6C>T (NM_001130991.3, NM_006389.4).
Identifiers: ClinVar variation 2182214 (VCV002182214.6), dbSNP rs1944690639, ClinGen allele CA2003784389.